The following is an entry in ClinVar:

NM_001367868.2(PLIN4):c.908_928del (p.Thr303_Gly310delinsSer)

Gene: PLIN4 (perilipin 4; minus strand). Cytogenetic location: 19p13.3.
Variant type: Deletion.
Coding change: c.908_928del on transcript NM_001367868.2 (MANE Select); coding-DNA positions 908 to 928, 21 bases deleted (CCGTCTGTAGTGGGGTGACTG).
Protein change: p.Thr303_Gly310delinsSer.
Molecular consequence: inframe indel.
Genome position (GRCh38, 1-based): chr19:4,513,032-4,513,052, CAGTCACCCCACTACAGACGG deleted on the plus strand (CCGTCTGTAGTGGGGTGACTG on the coding strand, the reverse complement: PLIN4 is on the minus strand). VCF-style (leftmost placement, unchanged base first): chr19-4513031-CCAGTCACCCCACTACAGACGG-C. GRCh37 (hg19) VCF-style: chr19-4513043-CCAGTCACCCCACTACAGACGG-C.
Other names: c.911_931del, p.Thr304_Gly311delinsSer (NM_001393888.1, NM_001393889.1); c.908_928del, p.Thr303_Gly310delinsSer (NM_001393890.1, NM_001393891.1).
Identifiers: ClinVar variation 2649059 (VCV002649059.24), dbSNP rs748893507, ClinGen allele CA9100946.

ClinVar aggregate classification (germline): Likely benign (1 of 4 stars; one submission).

Allele frequency attached by ClinVar (database versions not stated): gnomAD 0.00011; ExAC 0.00028.

Submission:

CeGaT Center for Human Genetics Tuebingen
Classification: Likely benign. Last evaluated: 2025-06-01. Review status: criteria provided, single submitter. Criteria: CeGaT Center For Human Genetics Tuebingen Variant Classification Criteria Version 2. Collection method: clinical testing. Allele origin: germline. Affected: yes. Observed: 11 variant alleles.
Comment: PLIN4: PM4, BS1, BS2